The following is an entry in ClinVar:

ClinVar aggregate classification (germline): Uncertain significance (1 of 4 stars; one submission).

Conditions:
Hereditary cancer-predisposing syndrome. Also called: Tumor predisposition; Hereditary Cancer Syndrome; Hereditary neoplastic syndrome; Neoplastic Syndromes, Hereditary. Identifiers: Orphanet 140162, MedGen C0027672, MeSH D009386, MONDO:0015356.

Submission:

Ambry Genetics
Classification: Uncertain significance for Hereditary cancer-predisposing syndrome. Last evaluated: 2024-12-27. Review status: criteria provided, single submitter. Criteria: Ambry Variant Classification Scheme 2023. Collection method: clinical testing. Allele origin: germline.
Comment: The p.L64P variant (also known as c.191T>C), located in coding exon 2 of the CDKN2A gene, results from a T to C substitution at nucleotide position 191. The leucine at codon 64 is replaced by proline, an amino acid with similar properties. This amino acid position is highly conserved in available vertebrate species. In addition, this alteration is predicted to be deleterious by in silico analysis. Of note, this alteration is also known as c.234T>C in the p14(ARF) isoform. Based on the available evidence, the clinical significance of this variant remains unclear.

NM_000077.5(CDKN2A):c.191T>C (p.Leu64Pro)

Gene: CDKN2A (cyclin dependent kinase inhibitor 2A; minus strand). Cytogenetic location: 9p21.3.
Variant type: single nucleotide variant.
Coding change: c.191T>C on transcript NM_000077.5; coding-DNA position 191, T replaced by C.
Protein change: p.Leu64Pro; replaces leucine 64 with proline.
Molecular consequence: missense variant (on NM_000077.6). On other transcripts: synonymous variant (1), 3 prime UTR variant (1).
Genome position (GRCh38, 1-based): chr9:21,971,168, A>G on the plus strand (T>C on the coding strand, the complement: CDKN2A is on the minus strand). VCF-style: chr9-21971168-A-G. GRCh37 (hg19) VCF-style: chr9-21971167-A-G.
Other names: c.191T>C, p.Leu64Pro (NM_000077.6, NM_001195132.2); c.38T>C, p.Leu13Pro (NM_001363763.2); c.234T>C, p.Ala78= (NM_058195.4); c.*114T>C (NM_058197.5); short protein forms L64P, L13P.
Identifiers: ClinVar variation 3830992 (VCV003830992.1).